The following is an entry in ClinVar:

ClinVar aggregate classification (germline): Uncertain significance. Review status: criteria provided, single submitter (1 of 4 stars). 2 submissions from 2 submitters: Uncertain significance (1). 1 of the submissions does not count toward it. Last evaluated 2016-02-17.

Conditions:
KCNH2-related disorder. Also called: KCNH2-related disorders; KCNH2-related condition.
Long QT syndrome (LQTS). Identifiers: MedGen C0023976, MeSH D008133, MONDO:0002442. Disease mechanism: loss of function. Inheritance: Various modes of inheritance.

Allele frequency attached by ClinVar (database versions not stated): gnomAD exomes below 0.00001.

Submissions (2):

Labcorp Genetics (formerly Invitae), Labcorp
Classification: Uncertain significance for Long QT syndrome. Last evaluated: 2016-02-17. Review status: criteria provided, single submitter. Criteria: Invitae Variant Classification Sherloc (09022015). Collection method: clinical testing. Allele origin: germline.
Comment: This sequence change replaces threonine with serine at codon 65 of the KCNH2 protein (p.Thr65Ser). The threonine residue is moderately conserved and there is a small physicochemical difference between threonine and serine. A different missense substitution at this codon (p.Thr65Pro) is reported to be deleterious (PMID: 12354768, 15840476, 16922724, 21661061). This suggests that the threonine residue is important for KCNH2 protein function. In summary, this is a novel missense change with uncertain impact on protein function located within a codon important for KCNH2 protein function. In the absence of genetic and/or functional data on this variant in the literature, at this point, it has been classified as a Variant of Uncertain Significance. Algorithms developed to predict the effect of missense changes on protein structure and function do not agree on the potential impact of this missense change (SIFT: "Deleterious"; PolyPhen-2: "Possibly Damaging"; Align-GVGD: "Class C0"). This variant is not present in population databases (ExAC no frequency) and has not been reported in the literature in individuals with a KCNH2-related disease.

PreventionGenetics, part of Exact Sciences
Classification: Uncertain significance for KCNH2-related condition. Last evaluated: 2024-07-16. Review status: no assertion criteria provided. Collection method: clinical testing. Allele origin: germline. Not counted in ClinVar's aggregate classification.
Comment: The KCNH2 c.194C>G variant is predicted to result in the amino acid substitution p.Thr65Ser. To our knowledge, this variant has not been reported in the literature or in a large population database, indicating this variant is rare. At this time, the clinical significance of this variant is uncertain due to the absence of conclusive functional and genetic evidence.

Literature cited by the submitters: PubMed 12354768 (cited by Labcorp Genetics (formerly Invitae), Labcorp); PubMed 15840476 (cited by Labcorp Genetics (formerly Invitae), Labcorp); PubMed 16922724 (cited by Labcorp Genetics (formerly Invitae), Labcorp); PubMed 21661061 (cited by Labcorp Genetics (formerly Invitae), Labcorp).

NM_000238.4(KCNH2):c.194C>G (p.Thr65Ser)

Gene: KCNH2 (potassium voltage-gated channel subfamily H member 2; minus strand). Cytogenetic location: 7q36.1.
Variant type: single nucleotide variant.
Coding change: c.194C>G on transcript NM_000238.4 (MANE Select); coding-DNA position 194, C replaced by G.
Protein change: p.Thr65Ser; replaces threonine 65 with serine.
Molecular consequence: missense variant.
Genome position (GRCh38, 1-based): chr7:150,974,824, G>C on the plus strand (C>G on the coding strand, the complement: KCNH2 is on the minus strand). VCF-style: chr7-150974824-G-C. GRCh37 (hg19) VCF-style: chr7-150671912-G-C.
Other names: c.17C>G, p.Thr6Ser (NM_001406755.1); c.194C>G, p.Thr65Ser (NM_172056.3); short protein forms T65S, T6S.
Identifiers: ClinVar variation 237295 (VCV000237295.10), dbSNP rs878853772, ClinGen allele CA10582468.